The following is an entry in ClinVar:

ClinVar aggregate classification (germline): Uncertain significance (1 of 4 stars; one submission).

Conditions:
GLI2-related disorder. Also called: GLI2-related disorders; GLI2-related condition.

Allele frequency attached by ClinVar (database versions not stated): gnomAD 0.00001.

Submission:

PreventionGenetics, part of Exact Sciences
Classification: Uncertain significance for GLI2-related condition. Last evaluated: 2022-10-07. Review status: criteria provided, single submitter. Criteria: ACMG Guidelines, 2015. Collection method: clinical testing. Allele origin: germline.
Comment: The GLI2 c.3818T>C variant is predicted to result in the amino acid substitution p.Met1273Thr. To our knowledge, this variant has not been reported in the literature or in a large population database, indicating this variant is rare. At this time, the clinical significance of this variant is uncertain due to the absence of conclusive functional and genetic evidence.

NM_001374353.1(GLI2):c.3767T>C (p.Met1256Thr)

Gene: GLI2 (GLI family zinc finger 2; plus strand). Cytogenetic location: 2q14.2.
Variant type: single nucleotide variant.
Coding change: c.3767T>C on transcript NM_001374353.1 (MANE Select); coding-DNA position 3767, T replaced by C.
Protein change: p.Met1256Thr; replaces methionine 1256 with threonine.
Molecular consequence: missense variant.
Genome position (GRCh38, 1-based): chr2:120,989,732, T>C. VCF-style: chr2-120989732-T-C. GRCh37 (hg19) VCF-style: chr2-121747308-T-C.
Other names: c.3818T>C, p.Met1273Thr (NM_001371271.1, NM_005270.5); c.3392T>C, p.Met1131Thr (NM_001374354.1); short protein forms M1131T, M1256T, M1273T.
Identifiers: ClinVar variation 2637161 (VCV002637161.1), dbSNP rs1683193554, ClinGen allele CA348176255.
Genomic context (GRCh38, chr2:120,989,732, plus strand): 5'-AGCTGAGCCCCAGCACCATCAGTGGGGCCCTCAACCAGTTCCCCCAATCCTGCAGCAACA[T>C]GCCAGCCAAGCCAGGGCATCTGGGGCACCCTCAGCAGACAGAAGTGGCACCTGACCCCAC-3'
Protein context (NP_001361282.1, residues 1246-1266): LNQFPQSCSN[Met1256Thr]PAKPGHLGHP